The following is an entry in ClinVar:

ClinVar aggregate classification (germline): Uncertain significance. Review status: criteria provided, multiple submitters, no conflicts (2 of 4 stars). 2 submissions from 2 submitters: Uncertain significance (2). Last evaluated 2025-08-29.

Conditions:
Epilepsy, childhood absence, susceptibility to, 6. Identifiers: Orphanet 64280, MedGen C2749872, MONDO:0012763, OMIM 611942.
Hyperaldosteronism, familial, type IV (HALD4). Also called: FH IV; ALDOSTERONISM, PRIMARY, AND HYPERTENSION. Identifiers: Orphanet 642671, MedGen C4310756, MONDO:0014875, OMIM 617027.
Idiopathic generalized epilepsy. Also called: Generalised epilepsy; EIG. Identifiers: MedGen C0270850, MONDO:0005579, OMIM 600669.

gnomAD v4.1: 12 of 1,612,468 alleles (0.00074%); highest among the groups gnomAD compares: East Asian, 0.0089%; 1 homozygote.

Submissions (2):

Labcorp Genetics (formerly Invitae), Labcorp
Classification: Uncertain significance for Idiopathic generalized epilepsy; Hyperaldosteronism, familial, type IV. Last evaluated: 2025-08-29. Review status: criteria provided, single submitter. Criteria: Invitae Variant Classification Sherloc (09022015). Collection method: clinical testing. Allele origin: germline.
Comment: This sequence change replaces alanine, which is neutral and non-polar, with valine, which is neutral and non-polar, at codon 1567 of the CACNA1H protein (p.Ala1567Val). This variant is present in population databases (rs773757935, gnomAD 0.004%), including at least one homozygous and/or hemizygous individual. This variant has not been reported in the literature in individuals affected with CACNA1H-related conditions. ClinVar contains an entry for this variant (Variation ID: 3578375). Invitae Evidence Modeling of protein sequence and biophysical properties (such as structural, functional, and spatial information, amino acid conservation, physicochemical variation, residue mobility, and thermodynamic stability) indicates that this missense variant is not expected to disrupt CACNA1H protein function with a negative predictive value of 80%. In summary, the available evidence is currently insufficient to determine the role of this variant in disease. Therefore, it has been classified as a Variant of Uncertain Significance.

Fulgent Genetics
Classification: Uncertain significance for Epilepsy, childhood absence, susceptibility to, 6; Hyperaldosteronism, familial, type IV. Last evaluated: 2024-02-16. Review status: criteria provided, single submitter. Criteria: ACMG Guidelines, 2015. Collection method: clinical testing. Allele origin: germline.

NM_021098.3(CACNA1H):c.4700C>T (p.Ala1567Val)

Gene: CACNA1H (calcium voltage-gated channel subunit alpha1 H; plus strand). Cytogenetic location: 16p13.3.
Variant type: single nucleotide variant.
Coding change: c.4700C>T on transcript NM_021098.3 (MANE Select); coding-DNA position 4700, C replaced by T.
Protein change: p.Ala1567Val; replaces alanine 1567 with valine.
Molecular consequence: missense variant.
Genome position (GRCh38, 1-based): chr16:1,212,079, C>T. VCF-style: chr16-1212079-C-T. GRCh37 (hg19) VCF-style: chr16-1262079-C-T.
Other names: c.4700C>T, p.Ala1567Val (NM_001005407.2); short protein forms A1567V.
Identifiers: ClinVar variation 3578375 (VCV003578375.2).